The following is an entry in ClinVar:

ClinVar aggregate classification (germline): Likely benign. Review status: criteria provided, multiple submitters, no conflicts (2 of 4 stars). 3 submissions from 3 submitters: Likely benign (2). 1 of the submissions does not count toward it. Last evaluated 2024-08-30.

Conditions:
DNAJC21-related disorder. Also called: DNAJC21-related condition.

Allele frequency attached by ClinVar (database versions not stated): TOPMed 0.00003; gnomAD 0.00004; gnomAD exomes 0.00007; 1000 Genomes Project 0.00020; ExAC 0.00027; 1000 Genomes Project 30x 0.00031.
gnomAD v4.1: 115 of 1,600,790 alleles (0.0072%); highest among the groups gnomAD compares: Middle Eastern, 0.099%; 2 homozygotes.

Submissions (3):

Blueprint Genetics
Classification: Likely benign. Last evaluated: 2024-08-30. Review status: criteria provided, single submitter. Criteria: ACMG Guidelines, 2015. Collection method: clinical testing. Allele origin: germline.

CeGaT Center for Human Genetics Tuebingen
Classification: Likely benign. Last evaluated: 2024-04-01. Review status: criteria provided, single submitter. Criteria: CeGaT Center For Human Genetics Tuebingen Variant Classification Criteria Version 2. Collection method: clinical testing. Allele origin: germline. Affected: yes. Observed: 1 variant allele.
Comment: DNAJC21: BP4, BP7

PreventionGenetics, part of Exact Sciences
Classification: Likely benign for DNAJC21-related condition. Last evaluated: 2019-06-12. Review status: no assertion criteria provided. Collection method: clinical testing. Allele origin: germline. Not counted in ClinVar's aggregate classification.
Comment: This variant is classified as likely benign based on ACMG/AMP sequence variant interpretation guidelines (Richards et al. 2015 PMID: 25741868, with internal and published modifications).

NM_001012339.3(DNAJC21):c.1186-556G>A

Gene: DNAJC21 (DnaJ heat shock protein family (Hsp40) member C21; plus strand). Cytogenetic location: 5p13.2.
Variant type: single nucleotide variant.
Coding change: c.1186-556G>A on transcript NM_001012339.3 (MANE Select); 556 bases into the intron before coding-DNA position 1186, G replaced by A.
Molecular consequence: intron variant. On other transcripts: synonymous variant (1).
Genome position (GRCh38, 1-based): chr5:34,949,614, G>A. VCF-style: chr5-34949614-G-A. GRCh37 (hg19) VCF-style: chr5-34949719-G-A.
Other names: c.1257G>A, p.Leu419= (NM_194283.4); c.1225-556G>A (NM_001348420.2).
Identifiers: ClinVar variation 3033920 (VCV003033920.22), dbSNP rs181888042, ClinGen allele CA3228764.